The following is an entry in ClinVar:

NM_001394067.2(RAPGEF2):c.4569G>A (p.Thr1523=)

Gene: RAPGEF2 (Rap guanine nucleotide exchange factor 2; plus strand). Cytogenetic location: 4q32.1.
Variant type: single nucleotide variant.
Coding change: c.4569G>A on transcript NM_001394067.2 (MANE Select); coding-DNA position 4569, G replaced by A.
Protein change: p.Thr1523=; no amino-acid change (threonine 1523 retained).
Molecular consequence: synonymous variant.
Genome position (GRCh38, 1-based): chr4:159,353,964, G>A. VCF-style: chr4-159353964-G-A. GRCh37 (hg19) VCF-style: chr4-160275116-G-A.
Other names: c.4644G>A, p.Thr1548= (NM_001351724.5); c.4221G>A, p.Thr1407= (NM_001351725.2, NM_001351726.3); c.4161G>A, p.Thr1387= (NM_001351727.4); c.4209G>A, p.Thr1403= (NM_001351728.4); c.4086G>A, p.Thr1362= (NM_014247.5).
Identifiers: ClinVar variation 2655164 (VCV002655164.25), dbSNP rs145873578, ClinGen allele CA3125221.
Genomic context (GRCh38, chr4:159,353,964, plus strand): 5'-CACAATAAAGCGGAGGGGTGGAAAGGATGTTTCCATTGAAGCCGAAAGCAGTAGCCTAAC[G>A]TCTGTGACTACGGAAGAAACCAAGCCTGTCCCCATGCCTGCCCACATAGCTGTGGCATCA-3'
Protein context (NP_001380996.1, residues 1513-1533): VSIEAESSSL[Thr1523=]SVTTEETKPV

ClinVar aggregate classification (germline): Likely benign. Review status: criteria provided, multiple submitters, no conflicts (2 of 4 stars). 2 submissions from 2 submitters: Likely benign (2). Last evaluated 2024-11-21.

Allele frequency attached by ClinVar (database versions not stated): 1000 Genomes Project 0.00080; 1000 Genomes Project 30x 0.00094; ExAC 0.00167; gnomAD 0.00234; ESP Exome Variant Server 0.00319.
gnomAD v4.1: 3,968 of 1,613,860 alleles (0.25%); highest among the groups gnomAD compares: Non-Finnish European, 0.27%; 9 homozygotes.

Submissions (2):

Blueprint Genetics
Classification: Likely benign. Last evaluated: 2024-11-21. Review status: criteria provided, single submitter. Criteria: ACMG Guidelines, 2015. Collection method: clinical testing. Allele origin: germline.

CeGaT Center for Human Genetics Tuebingen
Classification: Likely benign. Last evaluated: 2022-10-01. Review status: criteria provided, single submitter. Criteria: CeGaT Center For Human Genetics Tuebingen Variant Classification Criteria Version 2. Collection method: clinical testing. Allele origin: germline. Affected: yes. Observed: 1 variant allele.
Comment: RAPGEF2: BP4, BP7